The following is an entry in ClinVar:

NM_014270.5(SLC7A9):c.1000G>A (p.Glu334Lys)

Gene: SLC7A9 (solute carrier family 7 member 9; minus strand). Cytogenetic location: 19q13.11.
Variant type: single nucleotide variant.
Coding change: c.1000G>A on transcript NM_014270.5 (MANE Select); coding-DNA position 1000, G replaced by A.
Protein change: p.Glu334Lys; replaces glutamic acid 334 with lysine.
Molecular consequence: missense variant.
Genome position (GRCh38, 1-based): chr19:32,843,929, C>T on the plus strand (G>A on the coding strand, the complement: SLC7A9 is on the minus strand). VCF-style: chr19-32843929-C-T. GRCh37 (hg19) VCF-style: chr19-33334835-C-T.
Other names: c.1000G>A, p.Glu334Lys (NM_001126335.2, NM_001243036.2); short protein forms E334K.
Identifiers: ClinVar variation 3623446 (VCV003623446.2).

ClinVar aggregate classification (germline): Uncertain significance (1 of 4 stars; one submission).

gnomAD v4.1: 5 of 1,613,596 alleles (0.00031%); highest among the groups gnomAD compares: Non-Finnish European, 0.00042%; no homozygotes.

Submission:

Labcorp Genetics (formerly Invitae), Labcorp
Classification: Uncertain significance. Last evaluated: 2024-04-03. Review status: criteria provided, single submitter. Criteria: Invitae Variant Classification Sherloc (09022015). Collection method: clinical testing. Allele origin: germline.
Comment: This sequence change replaces glutamic acid, which is acidic and polar, with lysine, which is basic and polar, at codon 334 of the SLC7A9 protein (p.Glu334Lys). This variant is not present in population databases (gnomAD no frequency). This variant has not been reported in the literature in individuals affected with SLC7A9-related conditions. Advanced modeling of protein sequence and biophysical properties (such as structural, functional, and spatial information, amino acid conservation, physicochemical variation, residue mobility, and thermodynamic stability) performed at Invitae indicates that this missense variant is not expected to disrupt SLC7A9 protein function with a negative predictive value of 80%. In summary, the available evidence is currently insufficient to determine the role of this variant in disease. Therefore, it has been classified as a Variant of Uncertain Significance.